The following is an entry in ClinVar:

ClinVar aggregate classification (germline): Conflicting classifications of pathogenicity. Review status: criteria provided, conflicting classifications (1 of 4 stars). 3 submissions from 3 submitters: Likely pathogenic (1); Uncertain significance (1). 1 of the submissions does not count toward it. Last evaluated 2025-05-06.

Conditions:
Hermansky-Pudlak syndrome 4 (HPS4). Identifiers: Orphanet 231500, Orphanet 79430, MedGen C3484357, MONDO:0013556, OMIM 614073.

Allele frequency attached by ClinVar (database versions not stated): gnomAD exomes below 0.00001; TOPMed 0.00001.

Submissions (3):

Broad Center for Mendelian Genomics, Broad Institute of MIT and Harvard
Classification: Likely pathogenic for Hermansky-Pudlak syndrome 4. Last evaluated: 2025-05-06. Review status: criteria provided, single submitter. Criteria: ACMG Guidelines, 2015. Collection method: curation. Allele origin: germline. Inheritance: Autosomal recessive inheritance.
Comment: The p.His154Arg variant in HPS4 has been reported in 3 individuals with Hermansky-Pudlak syndrome 4 (PMID: 12664304, 31898847), segregated with disease in 2 affected relatives from 2 families (PMID: 12664304, 31898847), and has been identified in 0.0005% (6/1179372) of European (non-Finnish) chromosomes by the Genome Aggregation Database (gnomAD; dbSNP ID: rs281865098). Although this variant has been seen in the general population in a heterozygous state, its frequency is low enough to be consistent with a recessive carrier frequency. This variant has also been reported in ClinVar (Variation ID#: 21678) and has been interpreted as pathogenic by OMIM and as a variant of uncertain significance by Women's Health and Genetics/Laboratory Corporation of America. Of the 3 affected individuals, 1 of those was a homozygote and two were compound heterozygotes that carried reported pathogenic/likely pathogenic variant with unknown phase, which increases the likelihood that the p.His154Arg variant is pathogenic (PMID: 12664304, 31898847; Variation ID: 4130). Computational prediction tools and conservation analyses suggest that this variant may impact the protein, though this information is not predictive enough to determine pathogenicity. In summary, although additional studies are required to fully establish its clinical significance, this variant is likely pathogenic for autosomal recessive Hermansky-Pudlak syndrome 4. ACMG/AMP Criteria applied: PM3, PP1, PP3_moderate, PM2_supporting (Richards 2015).

Women's Health and Genetics/Laboratory Corporation of America, LabCorp
Classification: Uncertain significance. Last evaluated: 2024-10-04. Review status: criteria provided, single submitter. Criteria: LabCorp Variant Classification Summary - May 2015. Collection method: clinical testing. Allele origin: germline.
Comment: Variant summary: HPS4 c.461A>G (p.His154Arg) results in a non-conservative amino acid change in the encoded protein sequence. Five of five in-silico tools predict a damaging effect of the variant on protein function. The variant allele was found at a frequency of 4e-06 in 251362 control chromosomes (gnomAD). c.461A>G has been reported in the literature in individuals affected with Hermansky-Pudlak Syndrome (Anderson_2003). These data indicate that the variant may be associated with disease. To our knowledge, no experimental evidence demonstrating an impact on protein function has been reported. The following publications have been ascertained in the context of this evaluation (PMID: 12664304, 37647632). ClinVar contains an entry for this variant (Variation ID: 21678). Based on the evidence outlined above, the variant was classified as VUS-possibly pathogenic.

OMIM
Classification: Pathogenic for HERMANSKY-PUDLAK SYNDROME 4. Last evaluated: 2003-07-01. Review status: no assertion criteria provided. Collection method: literature only. Allele origin: germline. Not counted in ClinVar's aggregate classification.

Literature cited by the submitters: PubMed 37647632 (cited by Women's Health and Genetics/Laboratory Corporation of America, LabCorp); PubMed 12664304 (cited by Women's Health and Genetics/Laboratory Corporation of America, LabCorp and OMIM).

NM_022081.6(HPS4):c.461A>G (p.His154Arg)

Gene: HPS4 (HPS4 biogenesis of lysosomal organelles complex 3 subunit 2; minus strand). Cytogenetic location: 22q12.1.
Variant type: single nucleotide variant.
Coding change: c.461A>G on transcript NM_022081.6 (MANE Select); coding-DNA position 461, A replaced by G.
Protein change: p.His154Arg; replaces histidine 154 with arginine.
Molecular consequence: missense variant. On other transcripts: non-coding transcript variant (8).
Genome position (GRCh38, 1-based): chr22:26,472,342, T>C on the plus strand (A>G on the coding strand, the complement: HPS4 is on the minus strand). VCF-style: chr22-26472342-T-C. GRCh37 (hg19) VCF-style: chr22-26868308-T-C.
Other names: NM_022081.6(HPS4):c.461A>G; p.His154Arg; c.461A>G, p.His154Arg (NM_001349896.1, NM_001349898.2, NM_001349899.2 and 6 more transcripts); c.446A>G, p.His149Arg (NM_152841.2); short protein forms H154R, H149R.
Identifiers: ClinVar variation 21678 (VCV000021678.7), dbSNP rs281865098, ClinGen allele CA342358.